The following is an entry in ClinVar:

ClinVar aggregate classification (germline): Uncertain significance (1 of 4 stars; one submission).

Conditions:
Kabuki syndrome 2 (KABUK2). Also called: KDM6A-Related Kabuki Syndrome. Identifiers: Orphanet 2322, MedGen C3275495, MONDO:0010465, OMIM 300867.

gnomAD v4.1: 4 of 1,203,797 alleles (0.00033%); highest among the groups gnomAD compares: Non-Finnish European, 0.00045%; no homozygotes.

Submission:

Labcorp Genetics (formerly Invitae), Labcorp
Classification: Uncertain significance for Kabuki syndrome 2. Last evaluated: 2024-10-30. Review status: criteria provided, single submitter. Criteria: Invitae Variant Classification Sherloc (09022015). Collection method: clinical testing. Allele origin: germline.
Comment: This sequence change replaces alanine, which is neutral and non-polar, with proline, which is neutral and non-polar, at codon 516 of the KDM6A protein (p.Ala516Pro). This variant is not present in population databases (gnomAD no frequency). This variant has not been reported in the literature in individuals affected with KDM6A-related conditions. Invitae Evidence Modeling of protein sequence and biophysical properties (such as structural, functional, and spatial information, amino acid conservation, physicochemical variation, residue mobility, and thermodynamic stability) indicates that this missense variant is not expected to disrupt KDM6A protein function with a negative predictive value of 80%. In summary, the available evidence is currently insufficient to determine the role of this variant in disease. Therefore, it has been classified as a Variant of Uncertain Significance.

NM_001291415.2(KDM6A):c.1702G>C (p.Ala568Pro)

Gene: KDM6A (lysine demethylase 6A; plus strand). Cytogenetic location: Xp11.3.
Variant type: single nucleotide variant.
Coding change: c.1702G>C on transcript NM_001291415.2 (MANE Select); coding-DNA position 1702, G replaced by C.
Protein change: p.Ala568Pro; replaces alanine 568 with proline.
Molecular consequence: missense variant. On other transcripts: non-coding transcript variant (1).
Genome position (GRCh38, 1-based): chrX:45,063,440, G>C. VCF-style: chrX-45063440-G-C. GRCh37 (hg19) VCF-style: chrX-44922685-G-C.
Other names: c.1567G>C, p.Ala523Pro (NM_001291416.2, NM_001419811.1); c.1411G>C, p.Ala471Pro (NM_001291417.2); c.1309G>C, p.Ala437Pro (NM_001291418.2, NM_001419815.1); c.658G>C, p.Ala220Pro (NM_001291421.2); c.1444G>C, p.Ala482Pro (NM_001410742.1, NM_001419814.1); c.1702G>C, p.Ala568Pro (NM_001419809.1); c.1600G>C, p.Ala534Pro (NM_001419810.1, NM_001419813.1); c.1546G>C, p.Ala516Pro (NM_001419812.1, NM_021140.4); short protein forms A220P, A471P, A523P, A568P, A437P, A482P, A516P, A534P.
Identifiers: ClinVar variation 3683694 (VCV003683694.2).
Genomic context (GRCh38, chrX:45,063,440, plus strand): 5'-ATTACACAACCAGCATTTACTTTTCCTTTGTTTTTTTGACAGATGAGACCAACAGGAGTT[G>C]CACAGGTACGATCTACTGGAATTCCTAATGGGCCAACAGCTGACTCATCACTGCCTACAA-3'
Protein context (NP_001278344.1, residues 558-578): QQHQMRPTGV[Ala568Pro]QVRSTGIPNG